The following is an entry in ClinVar:

NM_144997.7(FLCN):c.479A>T (p.Asp160Val)

Gene: FLCN (folliculin; minus strand). Cytogenetic location: 17p11.2.
Variant type: single nucleotide variant.
Coding change: c.479A>T on transcript NM_144997.7 (MANE Select); coding-DNA position 479, A replaced by T.
Protein change: p.Asp160Val; replaces aspartic acid 160 with valine.
Molecular consequence: missense variant.
Genome position (GRCh38, 1-based): chr17:17,224,061, T>A on the plus strand (A>T on the coding strand, the complement: FLCN is on the minus strand). VCF-style: chr17-17224061-T-A. GRCh37 (hg19) VCF-style: chr17-17127375-T-A.
Other names: c.533A>T, p.Asp178Val (NM_001353229.2); c.479A>T, p.Asp160Val (NM_001353230.2, NM_001353231.2, NM_144606.7); short protein forms D160V, D178V.
Identifiers: ClinVar variation 2566323 (VCV002566323.4), dbSNP rs2144979271, ClinGen allele CA398534465.

ClinVar aggregate classification (germline): Uncertain significance. Review status: criteria provided, multiple submitters, no conflicts (2 of 4 stars). 2 submissions from 2 submitters: Uncertain significance (2). Last evaluated 2024-12-12.

Conditions:
Hereditary cancer-predisposing syndrome. Also called: Neoplastic Syndromes, Hereditary; Hereditary Cancer Syndrome; Tumor predisposition; Hereditary neoplastic syndrome. Identifiers: Orphanet 140162, MedGen C0027672, MeSH D009386, MONDO:0015356.
Birt-Hogg-Dube syndrome. Also called: Birt Hogg Dubé syndrome. Identifiers: Orphanet 122, MedGen C0346010, MONDO:0800444.

Submissions (2):

Labcorp Genetics (formerly Invitae), Labcorp
Classification: Uncertain significance for Birt-Hogg-Dube syndrome. Last evaluated: 2024-12-12. Review status: criteria provided, single submitter. Criteria: Invitae Variant Classification Sherloc (09022015). Collection method: clinical testing. Allele origin: germline.
Comment: This sequence change replaces aspartic acid, which is acidic and polar, with valine, which is neutral and non-polar, at codon 160 of the FLCN protein (p.Asp160Val). This variant is not present in population databases (gnomAD no frequency). This variant has not been reported in the literature in individuals affected with FLCN-related conditions. ClinVar contains an entry for this variant (Variation ID: 2566323). Invitae Evidence Modeling of protein sequence and biophysical properties (such as structural, functional, and spatial information, amino acid conservation, physicochemical variation, residue mobility, and thermodynamic stability) indicates that this missense variant is expected to disrupt FLCN protein function with a positive predictive value of 80%. In summary, the available evidence is currently insufficient to determine the role of this variant in disease. Therefore, it has been classified as a Variant of Uncertain Significance.

Ambry Genetics
Classification: Uncertain significance for Hereditary cancer-predisposing syndrome. Last evaluated: 2023-04-24. Review status: criteria provided, single submitter. Criteria: Ambry Variant Classification Scheme 2023. Collection method: clinical testing. Allele origin: germline.
Comment: The p.D160V variant (also known as c.479A>T), located in coding exon 3 of the FLCN gene, results from an A to T substitution at nucleotide position 479. The aspartic acid at codon 160 is replaced by valine, an amino acid with highly dissimilar properties. This amino acid position is conserved. In addition, this alteration is predicted to be deleterious by in silico analysis. Since supporting evidence is limited at this time, the clinical significance of this alteration remains unclear.